The following is an entry in ClinVar:

ClinVar aggregate classification (germline): Uncertain significance (1 of 4 stars; one submission).

gnomAD v4.1: 1 of 1,614,162 alleles (0.000062%); highest among the groups gnomAD compares: Non-Finnish European, 0.000085%; no homozygotes.

Submission:

Women's Health and Genetics/Laboratory Corporation of America, LabCorp
Classification: Uncertain significance. Last evaluated: 2025-08-06. Review status: criteria provided, single submitter. Criteria: LabCorp Variant Classification Summary - May 2015. Collection method: clinical testing. Allele origin: germline.
Comment: Variant summary: HECW2 c.1097T>A (p.Val366Glu) results in a non-conservative amino acid change in the encoded protein sequence. Algorithms developed to predict the effect of missense changes on protein structure and function are either unavailable or do not agree on the potential impact of this missense change. The variant was absent in 251136 control chromosomes. The available data on variant occurrences in the general population are insufficient to allow any conclusion about variant significance. To our knowledge, no occurrence of c.1097T>A in individuals affected with Neurodevelopmental disorder with hypotonia, seizures, and absent language and no experimental evidence demonstrating its impact on protein function have been reported. ClinVar contains an entry for this variant (Variation ID: 2682231). Based on the evidence outlined above, the variant was classified as uncertain significance.

NM_001348768.2(HECW2):c.1097T>A (p.Val366Glu)

Gene: HECW2 (HECT, C2 and WW domain containing E3 ubiquitin protein ligase 2; minus strand). Cytogenetic location: 2q32.3.
Variant type: single nucleotide variant.
Coding change: c.1097T>A on transcript NM_001348768.2 (MANE Select); coding-DNA position 1097, T replaced by A.
Protein change: p.Val366Glu; replaces valine 366 with glutamic acid.
Molecular consequence: missense variant.
Genome position (GRCh38, 1-based): chr2:196,319,793, A>T on the plus strand (T>A on the coding strand, the complement: HECW2 is on the minus strand). VCF-style: chr2-196319793-A-T. GRCh37 (hg19) VCF-style: chr2-197184517-A-T.
Other names: c.29T>A, p.Val10Glu (NM_001304840.3); c.1097T>A, p.Val366Glu (NM_020760.4); short protein forms V10E, V366E.
Identifiers: ClinVar variation 2682231 (VCV002682231.3), dbSNP rs2469049650, ClinGen allele CA349967087.